The following is an entry in ClinVar:

NM_004621.6(TRPC6):c.618T>G (p.Phe206Leu)

Gene: TRPC6 (transient receptor potential cation channel subfamily C member 6; minus strand). Cytogenetic location: 11q22.1.
Variant type: single nucleotide variant.
Coding change: c.618T>G on transcript NM_004621.6 (MANE Select); coding-DNA position 618, T replaced by G.
Protein change: p.Phe206Leu; replaces phenylalanine 206 with leucine.
Molecular consequence: missense variant.
Genome position (GRCh38, 1-based): chr11:101,504,351, A>C on the plus strand (T>G on the coding strand, the complement: TRPC6 is on the minus strand). VCF-style: chr11-101504351-A-C. GRCh37 (hg19) VCF-style: chr11-101375082-A-C.
Other names: short protein forms F206L.
Identifiers: ClinVar variation 1310841 (VCV001310841.2), dbSNP rs1428307947, ClinGen allele CA382449833.
Genomic context (GRCh38, chr11:101,504,351, plus strand): 5'-AGCCAGAATGATTGGAGTCACATCATGGGAGAACCGTGTCCCATCTTCATCATAGGCATA[A>C]AAATCATCTTGCTGGAGTTCAGACTGGCTAGGGCTGGTTGCTAACCTCTTGCCTTCAGCA-3'
Protein context (NP_004612.2, residues 196-216): PSQSELQQDD[Phe206Leu]YAYDEDGTRF

ClinVar aggregate classification (germline): Uncertain significance (1 of 4 stars; one submission).

Allele frequency attached by ClinVar (database versions not stated): gnomAD exomes below 0.00001.
gnomAD v4.1: 2 of 1,614,090 alleles (0.00012%); highest among the groups gnomAD compares: Non-Finnish European, 0.000085%; no homozygotes.

Submission:

GeneDx
Classification: Uncertain significance. Last evaluated: 2020-01-08. Review status: criteria provided, single submitter. Criteria: GeneDx Variant Classification Process June 2021. Collection method: clinical testing. Allele origin: germline. Affected: yes.
Comment: Not observed in large population cohorts (Lek et al., 2016); In silico analysis, which includes protein predictors and evolutionary conservation, supports a deleterious effect; Has not been previously published as pathogenic or benign to our knowledge